The following is an entry in ClinVar:

ClinVar aggregate classification (germline): Benign/Likely benign. Review status: criteria provided, multiple submitters, no conflicts (2 of 4 stars). 3 submissions from 3 submitters: Benign (1); Likely benign (2). Last evaluated 2025-10-21.

Conditions:
Autosomal dominant striatal neurodegeneration type 1. Identifiers: Orphanet 228169, MedGen C4310808, MONDO:0012205, OMIM 609161.

Allele frequency attached by ClinVar (database versions not stated): gnomAD exomes 0.00020 and 0.00025; ExAC 0.00030; 1000 Genomes Project 30x 0.00047; ESP Exome Variant Server 0.00054; gnomAD 0.00058 and 0.00060; TOPMed 0.00058; 1000 Genomes Project 0.00060.
gnomAD v4.1: 414 of 1,613,964 alleles (0.026%); highest among the groups gnomAD compares: Middle Eastern, 0.21%; 4 homozygotes.

Submissions (3):

Labcorp Genetics (formerly Invitae), Labcorp
Classification: Likely benign. Last evaluated: 2025-10-21. Review status: criteria provided, single submitter. Criteria: Invitae Variant Classification Sherloc (09022015). Collection method: clinical testing. Allele origin: germline.

Blueprint Genetics
Classification: Likely benign. Last evaluated: 2024-10-23. Review status: criteria provided, single submitter. Criteria: ACMG Guidelines, 2015. Collection method: clinical testing. Allele origin: germline.

Illumina Laboratory Services, Illumina
Classification: Benign for Autosomal dominant striatal neurodegeneration type 1. Last evaluated: 2018-01-13. Review status: criteria provided, single submitter. Criteria: ICSL Variant Classification Criteria 13 December 2019. Collection method: clinical testing. Allele origin: germline.
Comment: This variant was observed in the ICSL laboratory as part of a predisposition screen in an ostensibly healthy population. It had not been previously curated by ICSL or reported in the Human Gene Mutation Database (HGMD: prior to June 1st, 2018), and was therefore a candidate for classification through an automated scoring system. Utilizing variant allele frequency, disease prevalence and penetrance estimates, and inheritance mode, an automated score was calculated to assess if this variant is too frequent to cause the disease. Based on the score and internal cut-off values, a variant classified as benign is not then subjected to further curation. The score for this variant resulted in a classification of benign for this disease.

NM_003719.5(PDE8B):c.2145G>A (p.Thr715=)

Gene: PDE8B (phosphodiesterase 8B; plus strand). Cytogenetic location: 5q13.3.
Variant type: single nucleotide variant.
Coding change: c.2145G>A on transcript NM_003719.5 (MANE Select); coding-DNA position 2145, G replaced by A.
Protein change: p.Thr715=; no amino-acid change (threonine 715 retained).
Molecular consequence: synonymous variant.
Genome position (GRCh38, 1-based): chr5:77,419,782, G>A. VCF-style: chr5-77419782-G-A. GRCh37 (hg19) VCF-style: chr5-76715607-G-A.
Other names: c.1854G>A, p.Thr618= (NM_001029851.4); c.1980G>A, p.Thr660= (NM_001029852.4); c.2085G>A, p.Thr695= (NM_001029853.4); c.2004G>A, p.Thr668= (NM_001029854.4); c.2142G>A, p.Thr714= (NM_001349748.3, NM_001349751.3); c.2208G>A, p.Thr736= (NM_001349749.3); c.1905G>A, p.Thr635= (NM_001349750.3); c.1839G>A, p.Thr613= (NM_001349752.3); and 12 more.
Identifiers: ClinVar variation 354169 (VCV000354169.15), dbSNP rs112049153, ClinGen allele CA3315429.